The following is an entry in ClinVar:

ClinVar aggregate classification (germline): Likely pathogenic (1 of 4 stars; one submission).

Conditions:
Hereditary diffuse gastric adenocarcinoma (HDGC). Also called: DIFFUSE GASTRIC AND LOBULAR BREAST CANCER SYNDROME. Identifiers: Orphanet 26106, MedGen C1708349, MONDO:0007648, OMIM 137215.

Submission:

Labcorp Genetics (formerly Invitae), Labcorp
Classification: Likely pathogenic for Hereditary diffuse gastric adenocarcinoma. Last evaluated: 2022-04-15. Review status: criteria provided, single submitter. Criteria: Invitae Variant Classification Sherloc (09022015). Collection method: clinical testing. Allele origin: germline.
Comment: In summary, the currently available evidence indicates that the variant is pathogenic, but additional data are needed to prove that conclusively. Therefore, this variant has been classified as Likely Pathogenic. Algorithms developed to predict the effect of sequence changes on RNA splicing suggest that this variant may disrupt the consensus splice site. This variant has not been reported in the literature in individuals affected with CDH1-related conditions. This variant is not present in population databases (gnomAD no frequency). This sequence change affects an acceptor splice site in intron 9 of the CDH1 gene. It is expected to disrupt RNA splicing. Variants that disrupt the donor or acceptor splice site typically lead to a loss of protein function (PMID: 16199547), and loss-of-function variants in CDH1 are known to be pathogenic (PMID: 15235021, 20373070).

Literature cited by the submitters: PubMed 16199547; PubMed 15235021; PubMed 20373070.

NM_004360.5(CDH1):c.1321-1G>C

Gene: CDH1 (cadherin 1; plus strand). Cytogenetic location: 16q22.1.
Variant type: single nucleotide variant.
Coding change: c.1321-1G>C on transcript NM_004360.5 (MANE Select); the canonical splice acceptor site of the intron before coding-DNA position 1321, G replaced by C.
Molecular consequence: splice acceptor variant.
Genome position (GRCh38, 1-based): chr16:68,815,514, G>C. VCF-style: chr16-68815514-G-C. GRCh37 (hg19) VCF-style: chr16-68849417-G-C.
Other names: c.-228-1G>C (NM_001317185.2); c.-499-1G>C (NM_001317186.2); c.1138-1G>C (NM_001317184.2).
Identifiers: ClinVar variation 1509843 (VCV001509843.8), dbSNP rs2152134665, ClinGen allele CA396462642.